The following is an entry in ClinVar:

ClinVar aggregate classification (germline): Pathogenic. Review status: criteria provided, multiple submitters, no conflicts (2 of 4 stars). 2 submissions from 2 submitters: Pathogenic (2). Last evaluated 2024-07-03.

Conditions:
Hereditary cancer-predisposing syndrome. Also called: Neoplastic Syndromes, Hereditary; Tumor predisposition; Hereditary Cancer Syndrome; Hereditary neoplastic syndrome. Identifiers: Orphanet 140162, MedGen C0027672, MeSH D009386, MONDO:0015356.
Familial cancer of breast. Also called: BREAST CANCER, FAMILIAL; hereditary breast carcinoma; Hereditary breast cancer. Identifiers: Orphanet 227535, MedGen C0346153, MONDO:0016419, OMIM 114480. Disease mechanism: loss of function.

gnomAD v4.1: 1 of 1,613,486 alleles (0.000062%); no homozygotes.

Submissions (2):

Labcorp Genetics (formerly Invitae), Labcorp
Classification: Pathogenic for Familial cancer of breast. Last evaluated: 2024-07-03. Review status: criteria provided, single submitter. Criteria: Invitae Variant Classification Sherloc (09022015). Collection method: clinical testing. Allele origin: germline.
Comment: This sequence change creates a premature translational stop signal (p.Leu337*) in the PALB2 gene. It is expected to result in an absent or disrupted protein product. Loss-of-function variants in PALB2 are known to be pathogenic (PMID: 17200668, 17200671, 17200672, 24136930, 25099575). This variant is present in population databases (no rsID available, gnomAD 0.003%). This variant has not been reported in the literature in individuals affected with PALB2-related conditions. ClinVar contains an entry for this variant (Variation ID: 641318). For these reasons, this variant has been classified as Pathogenic.

Ambry Genetics
Classification: Pathogenic for Hereditary cancer-predisposing syndrome. Last evaluated: 2023-12-19. Review status: criteria provided, single submitter. Criteria: Ambry Variant Classification Scheme 2023. Collection method: clinical testing. Allele origin: germline.
Comment: The p.L337* pathogenic mutation (also known as c.1010T>A), located in coding exon 4 of the PALB2 gene, results from a T to A substitution at nucleotide position 1010. This changes the amino acid from a leucine to a stop codon within coding exon 4. This alteration is expected to result in loss of function by premature protein truncation or nonsense-mediated mRNA decay. As such, this alteration is interpreted as a disease-causing mutation.

Literature cited by the submitters: PubMed 17200668 (cited by Labcorp Genetics (formerly Invitae), Labcorp); PubMed 17200671 (cited by Labcorp Genetics (formerly Invitae), Labcorp); PubMed 17200672 (cited by Labcorp Genetics (formerly Invitae), Labcorp); PubMed 24136930 (cited by Labcorp Genetics (formerly Invitae), Labcorp); PubMed 25099575 (cited by Labcorp Genetics (formerly Invitae), Labcorp).

NM_024675.4(PALB2):c.1010T>A (p.Leu337Ter)

Gene: PALB2 (partner and localizer of BRCA2; minus strand). Cytogenetic location: 16p12.2.
Variant type: single nucleotide variant.
Coding change: c.1010T>A on transcript NM_024675.4 (MANE Select); coding-DNA position 1010, T replaced by A.
Protein change: p.Leu337Ter; replaces leucine 337 with a stop codon.
Molecular consequence: nonsense.
Genome position (GRCh38, 1-based): chr16:23,635,536, A>T on the plus strand (T>A on the coding strand, the complement: PALB2 is on the minus strand). VCF-style: chr16-23635536-A-T. GRCh37 (hg19) VCF-style: chr16-23646857-A-T.
Other names: short protein forms L337*.
Identifiers: ClinVar variation 641318 (VCV000641318.8), dbSNP rs45494092, ClinGen allele CA395134478.